The following is an entry in ClinVar:

ClinVar aggregate classification (germline): Uncertain significance (1 of 4 stars; one submission).

Conditions:
Cardiovascular phenotype. Identifiers: MedGen CN230736.

Allele frequency attached by ClinVar (database versions not stated): gnomAD exomes below 0.00001; TOPMed below 0.00001; gnomAD 0.00001.
gnomAD v4.1: 4 of 1,613,714 alleles (0.00025%); highest among the groups gnomAD compares: Non-Finnish European, 0.00034%; no homozygotes.

Submission:

Ambry Genetics
Classification: Uncertain significance for Cardiovascular phenotype. Last evaluated: 2022-03-06. Review status: criteria provided, single submitter. Criteria: Ambry Variant Classification Scheme 2023. Collection method: clinical testing. Allele origin: germline.
Comment: The p.C993R variant (also known as c.2977T>C), located in coding exon 20 of the TRPM4 gene, results from a T to C substitution at nucleotide position 2977. The cysteine at codon 993 is replaced by arginine, an amino acid with highly dissimilar properties. This amino acid position is conserved. In addition, this alteration is predicted to be deleterious by in silico analysis. Since supporting evidence is limited at this time, the clinical significance of this alteration remains unclear.

NM_017636.4(TRPM4):c.2977T>C (p.Cys993Arg)

Gene: TRPM4 (transient receptor potential cation channel subfamily M member 4; plus strand). Cytogenetic location: 19q13.33.
Variant type: single nucleotide variant.
Coding change: c.2977T>C on transcript NM_017636.4 (MANE Select); coding-DNA position 2977, T replaced by C.
Protein change: p.Cys993Arg; replaces cysteine 993 with arginine.
Molecular consequence: missense variant.
Genome position (GRCh38, 1-based): chr19:49,201,987, T>C. VCF-style: chr19-49201987-T-C. GRCh37 (hg19) VCF-style: chr19-49705244-T-C.
Other names: c.2542T>C, p.Cys848Arg (NM_001195227.2); c.2632T>C, p.Cys878Arg (NM_001321281.2); c.1369T>C, p.Cys457Arg (NM_001321282.2); c.2455T>C, p.Cys819Arg (NM_001321283.2); c.1915T>C, p.Cys639Arg (NM_001321285.2); short protein forms C819R, C848R, C993R, C639R, C878R, C457R.
Identifiers: ClinVar variation 1798341 (VCV001798341.2), dbSNP rs1249571557, ClinGen allele CA406812580.